The following is an entry in ClinVar:

ClinVar aggregate classification (germline): Uncertain significance. Review status: criteria provided, multiple submitters, no conflicts (2 of 4 stars). 4 submissions from 4 submitters: Uncertain significance (4). Last evaluated 2025-02-24.

Conditions:
Autosomal recessive ataxia due to ubiquinone deficiency. Also called: Coenzyme Q10 deficiency, primary, 4; SPINOCEREBELLAR ATAXIA, AUTOSOMAL RECESSIVE 9. Identifiers: Orphanet 139485, MedGen C2677589, MONDO:0012784, OMIM 612016.

Allele frequency attached by ClinVar (database versions not stated): gnomAD 0.00001; ExAC 0.00002; gnomAD exomes 0.00002; TOPMed 0.00002.
gnomAD v4.1: 67 of 1,613,876 alleles (0.0042%); highest among the groups gnomAD compares: Middle Eastern, 0.082%; no homozygotes.

Submissions (4):

GeneDx
Classification: Uncertain significance. Last evaluated: 2025-02-24. Review status: criteria provided, single submitter. Criteria: GeneDx Variant Classification Process June 2021. Collection method: clinical testing. Allele origin: germline. Affected: yes.
Comment: Not observed at significant frequency in large population cohorts (gnomAD); In silico analysis indicates that this missense variant does not alter protein structure/function; Has not been previously published as pathogenic or benign to our knowledge

Labcorp Genetics (formerly Invitae), Labcorp
Classification: Uncertain significance. Last evaluated: 2022-08-20. Review status: criteria provided, single submitter. Criteria: Invitae Variant Classification Sherloc (09022015). Collection method: clinical testing. Allele origin: germline.
Comment: In summary, the available evidence is currently insufficient to determine the role of this variant in disease. Therefore, it has been classified as a Variant of Uncertain Significance. Advanced modeling of protein sequence and biophysical properties (such as structural, functional, and spatial information, amino acid conservation, physicochemical variation, residue mobility, and thermodynamic stability) performed at Invitae indicates that this missense variant is not expected to disrupt COQ8A protein function. ClinVar contains an entry for this variant (Variation ID: 804510). This variant has not been reported in the literature in individuals affected with COQ8A-related conditions. This variant is present in population databases (rs751042244, gnomAD 0.004%). This sequence change replaces proline, which is neutral and non-polar, with glutamine, which is neutral and polar, at codon 105 of the COQ8A protein (p.Pro105Gln).

Athena Diagnostics
Classification: Uncertain significance. Last evaluated: 2018-08-29. Review status: criteria provided, single submitter. Criteria: Athena Diagnostics Criteria. Collection method: clinical testing. Allele origin: germline.

Illumina Laboratory Services, Illumina
Classification: Uncertain significance for Autosomal recessive ataxia due to ubiquinone deficiency. Last evaluated: 2018-01-13. Review status: criteria provided, single submitter. Criteria: ICSL Variant Classification Criteria 13 December 2019. Collection method: clinical testing. Allele origin: germline.

NM_020247.5(COQ8A):c.314C>A (p.Pro105Gln)

Gene: COQ8A (coenzyme Q8A; plus strand). Cytogenetic location: 1q42.13.
Variant type: single nucleotide variant.
Coding change: c.314C>A on transcript NM_020247.5 (MANE Select); coding-DNA position 314, C replaced by A.
Protein change: p.Pro105Gln; replaces proline 105 with glutamine.
Molecular consequence: missense variant.
Genome position (GRCh38, 1-based): chr1:226,965,136, C>A. VCF-style: chr1-226965136-C-A. GRCh37 (hg19) VCF-style: chr1-227152837-C-A.
Other names: short protein forms P105Q.
Identifiers: ClinVar variation 804510 (VCV000804510.9), dbSNP rs751042244, ClinGen allele CA1424985.